The following is an entry in ClinVar:

ClinVar aggregate classification (germline): Uncertain significance. Review status: criteria provided, multiple submitters, no conflicts (2 of 4 stars). 3 submissions from 3 submitters: Uncertain significance (2). 1 of the submissions does not count toward it. Last evaluated 2024-05-22.

Conditions:
Hereditary cancer-predisposing syndrome. Also called: Neoplastic Syndromes, Hereditary; Tumor predisposition; Hereditary Cancer Syndrome; Hereditary neoplastic syndrome. Identifiers: Orphanet 140162, MedGen C0027672, MeSH D009386, MONDO:0015356.
Bloom syndrome (BLM). Also called: Bloom-Torre-Machacek syndrome. Identifiers: Orphanet 125, MedGen C0005859, MONDO:0008876, OMIM 210900.

Submissions (3):

Labcorp Genetics (formerly Invitae), Labcorp
Classification: Uncertain significance for Bloom syndrome. Last evaluated: 2024-05-22. Review status: criteria provided, single submitter. Criteria: Invitae Variant Classification Sherloc (09022015). Collection method: clinical testing. Allele origin: germline.
Comment: This sequence change replaces proline, which is neutral and non-polar, with threonine, which is neutral and polar, at codon 58 of the BLM protein (p.Pro58Thr). This variant is not present in population databases (gnomAD no frequency). This variant has not been reported in the literature in individuals affected with BLM-related conditions. ClinVar contains an entry for this variant (Variation ID: 639986). An algorithm developed to predict the effect of missense changes on protein structure and function (PolyPhen-2) suggests that this variant is likely to be disruptive. In summary, the available evidence is currently insufficient to determine the role of this variant in disease. Therefore, it has been classified as a Variant of Uncertain Significance.

Ambry Genetics
Classification: Uncertain significance for Hereditary cancer-predisposing syndrome. Last evaluated: 2022-10-11. Review status: criteria provided, single submitter. Criteria: Ambry Variant Classification Scheme 2023. Collection method: clinical testing. Allele origin: germline.
Comment: The p.P58T variant (also known as c.172C>A), located in coding exon 2 of the BLM gene, results from a C to A substitution at nucleotide position 172. The proline at codon 58 is replaced by threonine, an amino acid with highly similar properties. This amino acid position is well conserved in available vertebrate species. In addition, this alteration is predicted to be tolerated by in silico analysis. Since supporting evidence is limited at this time, the clinical significance of this alteration remains unclear.

Natera, Inc.
Classification: Uncertain significance for Bloom syndrome. Last evaluated: 2021-03-18. Review status: no assertion criteria provided. Collection method: clinical testing. Allele origin: germline. Not counted in ClinVar's aggregate classification.

NM_000057.4(BLM):c.172C>A (p.Pro58Thr)

Gene: BLM (BLM RecQ like helicase; plus strand). Cytogenetic location: 15q26.1.
Variant type: single nucleotide variant.
Coding change: c.172C>A on transcript NM_000057.4 (MANE Select); coding-DNA position 172, C replaced by A.
Protein change: p.Pro58Thr; replaces proline 58 with threonine.
Molecular consequence: missense variant. On other transcripts: 5 prime UTR variant (1).
Genome position (GRCh38, 1-based): chr15:90,749,440, C>A. VCF-style: chr15-90749440-C-A. GRCh37 (hg19) VCF-style: chr15-91292670-C-A.
Other names: c.172C>A, p.Pro58Thr (NM_001287246.2, NM_001287247.2); c.-1120C>A (NM_001287248.2); short protein forms P58T.
Identifiers: ClinVar variation 639986 (VCV000639986.17), dbSNP rs1596217837, ClinGen allele CA393839557.